The following is an entry in ClinVar:

NM_000052.7(ATP7A):c.4489G>A (p.Asp1497Asn)

Gene: ATP7A (ATPase copper transporting alpha; plus strand). Cytogenetic location: Xq21.1.
Variant type: single nucleotide variant.
Coding change: c.4489G>A on transcript NM_000052.7 (MANE Select); coding-DNA position 4489, G replaced by A.
Protein change: p.Asp1497Asn; replaces aspartic acid 1497 with asparagine.
Molecular consequence: missense variant. On other transcripts: non-coding transcript variant (1).
Genome position (GRCh38, 1-based): chrX:78,046,556, G>A. VCF-style: chrX-78046556-G-A. GRCh37 (hg19) VCF-style: chrX-77302053-G-A.
Other names: c.4255G>A, p.Asp1419Asn (NM_001282224.2); short protein forms D1419N, D1497N.
Identifiers: ClinVar variation 1809740 (VCV001809740.6), dbSNP rs897698502, ClinGen allele CA331110715.

ClinVar aggregate classification (germline): Uncertain significance. Review status: criteria provided, multiple submitters, no conflicts (2 of 4 stars). 2 submissions from 2 submitters: Uncertain significance (2). Last evaluated 2022-05-10.

Conditions:
Cutis laxa, X-linked (OHS). Also called: EDS IX; Occipital horn syndrome. Identifiers: Orphanet 198, MedGen C0268353, MONDO:0010572, OMIM 304150.
Menkes kinky-hair syndrome (MNK). Also called: Classic Menkes Disease; Copper transport disease; Menkes Disease. Identifiers: Orphanet 565, MedGen C0022716, MONDO:0010651, OMIM 309400.
X-linked distal spinal muscular atrophy type 3. Also called: NEURONOPATHY, DISTAL HEREDITARY MOTOR, X-LINKED; NEUROPATHY, DISTAL HEREDITARY MOTOR, X-LINKED; ATP7A-Related Distal Motor Neuropathy; SPINAL MUSCULAR ATROPHY, DISTAL, X-LINKED RECESSIVE. Identifiers: Orphanet 139557, MedGen C1845359, MONDO:0010338, OMIM 300489.

Submissions (2):

Labcorp Genetics (formerly Invitae), Labcorp
Classification: Uncertain significance for X-linked distal spinal muscular atrophy type 3; Cutis laxa, X-linked; Menkes kinky-hair syndrome. Last evaluated: 2022-05-10. Review status: criteria provided, single submitter. Criteria: Invitae Variant Classification Sherloc (09022015). Collection method: clinical testing. Allele origin: germline.
Comment: This sequence change replaces aspartic acid, which is acidic and polar, with asparagine, which is neutral and polar, at codon 1497 of the ATP7A protein (p.Asp1497Asn). In summary, the available evidence is currently insufficient to determine the role of this variant in disease. Therefore, it has been classified as a Variant of Uncertain Significance. Advanced modeling of protein sequence and biophysical properties (such as structural, functional, and spatial information, amino acid conservation, physicochemical variation, residue mobility, and thermodynamic stability) performed at Invitae indicates that this missense variant is not expected to disrupt ATP7A protein function. This variant has not been reported in the literature in individuals affected with ATP7A-related conditions. This variant is not present in population databases (gnomAD no frequency).

Athena Diagnostics
Classification: Uncertain significance. Last evaluated: 2021-06-09. Review status: criteria provided, single submitter. Criteria: Athena Diagnostics Criteria. Collection method: clinical testing. Allele origin: unknown.
Comment: This observation is not an independent occurrence and has been identified in the same individual by RCIGM, the other laboratory participating in the GEMINI study.